The following is an entry in ClinVar:

ClinVar aggregate classification (germline): Likely benign. Review status: criteria provided, multiple submitters, no conflicts (2 of 4 stars). 2 submissions from 2 submitters: Likely benign (2). Last evaluated 2026-09-09.

Conditions:
PCNT-related disorder. Also called: PCNT-related condition.

Submissions (2):

PreventionGenetics, part of Exact Sciences
Classification: Likely benign for PCNT-related condition. Last evaluated: 2026-09-09. Review status: criteria provided, single submitter. Criteria: ACMG Guidelines, 2015. Collection method: clinical testing. Allele origin: germline.
Comment: This variant is classified as likely benign based on ACMG/AMP sequence variant interpretation guidelines (Richards et al. 2015 PMID: 25741868, with internal and published modifications).

Labcorp Genetics (formerly Invitae), Labcorp
Classification: Likely benign. Last evaluated: 2023-11-04. Review status: criteria provided, single submitter. Criteria: Invitae Variant Classification Sherloc (09022015). Collection method: clinical testing. Allele origin: germline.

NM_006031.6(PCNT):c.6570T>C (p.Leu2190=)

Gene: PCNT (pericentrin; plus strand). Cytogenetic location: 21q22.3.
Variant type: single nucleotide variant.
Coding change: c.6570T>C on transcript NM_006031.6 (MANE Select); coding-DNA position 6570, T replaced by C.
Protein change: p.Leu2190=; no amino-acid change (leucine 2190 retained).
Molecular consequence: synonymous variant.
Genome position (GRCh38, 1-based): chr21:46,416,488, T>C. VCF-style: chr21-46416488-T-C. GRCh37 (hg19) VCF-style: chr21-47836402-T-C.
Other names: c.6570T>C (NM_006031.5); c.6216T>C, p.Leu2072= (NM_001315529.2).
Identifiers: ClinVar variation 2998088 (VCV002998088.4), dbSNP rs2518829765, ClinGen allele CA513174464.
Genomic context (GRCh38, chr21:46,416,488, plus strand): 5'-ACCAGATGAAATGCCAGATTCTCCCATTCAAGAAAAATCAGAATGTCAGGACATGTCTCT[T>C]TCTTCACCGACCAGCGTACTTGGTGGCTCCCGCCACCAGAGCCACACTGCAGAGGCTGGG-3'
Protein context (NP_006022.3, residues 2180-2200): QEKSECQDMS[Leu2190=]SSPTSVLGGS